The following is an entry in ClinVar:

ClinVar aggregate classification (germline): Uncertain significance (1 of 4 stars; one submission).

Submission:

GeneDx
Classification: Uncertain significance. Last evaluated: 2023-12-12. Review status: criteria provided, single submitter. Criteria: GeneDx Variant Classification Process June 2021. Collection method: clinical testing. Allele origin: germline. Affected: yes.
Comment: Not observed at significant frequency in large population cohorts (gnomAD); In silico analysis supports that this missense variant does not alter protein structure/function; Has not been previously published as pathogenic or benign to our knowledge

NM_001134232.2(TMEM106B):c.487G>C (p.Glu163Gln)

Gene: TMEM106B (transmembrane protein 106B; plus strand). Cytogenetic location: 7p21.3.
Variant type: single nucleotide variant.
Coding change: c.487G>C on transcript NM_001134232.2 (MANE Select); coding-DNA position 487, G replaced by C.
Protein change: p.Glu163Gln; replaces glutamic acid 163 with glutamine.
Molecular consequence: missense variant.
Genome position (GRCh38, 1-based): chr7:12,229,724, G>C. VCF-style: chr7-12229724-G-C. GRCh37 (hg19) VCF-style: chr7-12269350-G-C.
Other names: c.487G>C, p.Glu163Gln (NM_018374.4); short protein forms E163Q.
Identifiers: ClinVar variation 3253397 (VCV003253397.1), dbSNP rs2534923502.